The following is an entry in ClinVar:

ClinVar aggregate classification (germline): Uncertain significance. Review status: criteria provided, multiple submitters, no conflicts (2 of 4 stars). 2 submissions from 2 submitters: Uncertain significance (2). Last evaluated 2025-10-26.

Conditions:
Hereditary cancer-predisposing syndrome. Also called: Neoplastic Syndromes, Hereditary; Hereditary Cancer Syndrome; Hereditary neoplastic syndrome; Tumor predisposition. Identifiers: Orphanet 140162, MedGen C0027672, MeSH D009386, MONDO:0015356.

Submissions (2):

Ambry Genetics
Classification: Uncertain significance for Hereditary cancer-predisposing syndrome. Last evaluated: 2025-10-26. Review status: criteria provided, single submitter. Criteria: Ambry Variant Classification Scheme 2023. Collection method: clinical testing. Allele origin: germline.
Comment: The p.Y120H variant (also known as c.358T>C), located in coding exon 1 of the HOXB13 gene, results from a T to C substitution at nucleotide position 358. The tyrosine at codon 120 is replaced by histidine, an amino acid with similar properties. This amino acid position is conserved. In addition, this alteration is predicted to be tolerated by in silico analysis. Based on the available evidence, the clinical significance of this variant remains unclear.

Labcorp Genetics (formerly Invitae), Labcorp
Classification: Uncertain significance. Last evaluated: 2022-07-19. Review status: criteria provided, single submitter. Criteria: Invitae Variant Classification Sherloc (09022015). Collection method: clinical testing. Allele origin: germline.
Comment: In summary, the available evidence is currently insufficient to determine the role of this variant in disease. Therefore, it has been classified as a Variant of Uncertain Significance. This sequence change replaces tyrosine, which is neutral and polar, with histidine, which is basic and polar, at codon 120 of the HOXB13 protein (p.Tyr120His). This variant is not present in population databases (gnomAD no frequency). This variant has not been reported in the literature in individuals affected with HOXB13-related conditions. ClinVar contains an entry for this variant (Variation ID: 1419500). Algorithms developed to predict the effect of missense changes on protein structure and function are either unavailable or do not agree on the potential impact of this missense change (SIFT: "Deleterious"; PolyPhen-2: "Probably Damaging"; Align-GVGD: "Class C0").

NM_006361.6(HOXB13):c.358T>C (p.Tyr120His)

Gene: HOXB13 (homeobox B13; minus strand). Cytogenetic location: 17q21.32.
Variant type: single nucleotide variant.
Coding change: c.358T>C on transcript NM_006361.6 (MANE Select); coding-DNA position 358, T replaced by C.
Protein change: p.Tyr120His; replaces tyrosine 120 with histidine.
Molecular consequence: missense variant.
Genome position (GRCh38, 1-based): chr17:48,728,236, A>G on the plus strand (T>C on the coding strand, the complement: HOXB13 is on the minus strand). VCF-style: chr17-48728236-A-G. GRCh37 (hg19) VCF-style: chr17-46805598-A-G.
Other names: c.358T>C (NM_006361.5); short protein forms Y120H.
Identifiers: ClinVar variation 1419500 (VCV001419500.9), dbSNP rs1597934360, ClinGen allele CA400107626.